The following is an entry in ClinVar:

ClinVar aggregate classification (germline): Pathogenic. Review status: criteria provided, multiple submitters, no conflicts (2 of 4 stars). 2 submissions from 2 submitters: Pathogenic (2). Last evaluated 2025-11-18.

Conditions:
Arrhythmogenic cardiomyopathy with wooly hair and keratoderma. Also called: PALMOPLANTAR KERATODERMA WITH LEFT VENTRICULAR CARDIOMYOPATHY AND WOOLLY HAIR; Carvajal syndrome; Arrhythmogenic cardiomyopathy with woolly hair and keratoderma; Dilated cardiomyopathy with woolly hair and keratoderma. Identifiers: Orphanet 65282, MedGen C1854063, MONDO:0011581, OMIM 605676.
Arrhythmogenic right ventricular dysplasia 8 (ARVD8). Also called: Arrhythmogenic Right Ventricular Dysplasia/Cardiomyopathy 8; ARRHYTHMOGENIC RIGHT VENTRICULAR DYSPLASIA, FAMILIAL, 8; ARRHYTHMOGENIC RIGHT VENTRICULAR CARDIOMYOPATHY 8. Identifiers: MedGen C1843896, MONDO:0011831, OMIM 607450.
Cardiovascular phenotype. Identifiers: MedGen CN230736.

Submissions (2):

Labcorp Genetics (formerly Invitae), Labcorp
Classification: Pathogenic for Arrhythmogenic cardiomyopathy with wooly hair and keratoderma; Arrhythmogenic right ventricular dysplasia 8. Last evaluated: 2025-11-18. Review status: criteria provided, single submitter. Criteria: Invitae Variant Classification Sherloc (09022015). Collection method: clinical testing. Allele origin: germline.
Comment: This sequence change creates a premature translational stop signal (p.Leu411Argfs*29) in the DSP gene. It is expected to result in an absent or disrupted protein product. Loss-of-function variants in DSP are known to be pathogenic (PMID: 20716751, 24503780, 25227139, 30398466). This variant is not present in population databases (gnomAD no frequency). This variant has not been reported in the literature in individuals affected with DSP-related conditions. ClinVar contains an entry for this variant (Variation ID: 3505497). For these reasons, this variant has been classified as Pathogenic.

Ambry Genetics
Classification: Pathogenic for Cardiovascular phenotype. Last evaluated: 2024-10-11. Review status: criteria provided, single submitter. Criteria: Ambry Variant Classification Scheme 2023. Collection method: clinical testing. Allele origin: germline.
Comment: The c.1232delT pathogenic mutation, located in coding exon 10 of the DSP gene, results from a deletion of one nucleotide at nucleotide position 1232, causing a translational frameshift with a predicted alternate stop codon (p.L411Rfs*29). This variant has been observed in at least one individual with a personal and/or family history that is consistent with DSP-related cardiomyopathy (Ambry internal data). This variant is considered to be rare based on population cohorts in the Genome Aggregation Database (gnomAD). This alteration is expected to result in loss of function by premature protein truncation or nonsense-mediated mRNA decay. As such, this alteration is interpreted as a disease-causing mutation.

Literature cited by the submitters: PubMed 20716751 (cited by Labcorp Genetics (formerly Invitae), Labcorp); PubMed 24503780 (cited by Labcorp Genetics (formerly Invitae), Labcorp); PubMed 25227139 (cited by Labcorp Genetics (formerly Invitae), Labcorp); PubMed 30398466 (cited by Labcorp Genetics (formerly Invitae), Labcorp).

NM_004415.4(DSP):c.1232del (p.Leu411fs)

Gene: DSP (desmoplakin; plus strand). Cytogenetic location: 6p24.3.
Variant type: Deletion.
Coding change: c.1232del on transcript NM_004415.4 (MANE Select); coding-DNA position 1232, one base deleted (T; older notation c.1232delT).
Protein change: p.Leu411fs; shifts the reading frame from leucine 411.
Molecular consequence: frameshift variant.
Genome position (GRCh38, 1-based): chr6:7,567,872, T deleted. VCF-style (leftmost placement, unchanged base first): chr6-7567871-CT-C. GRCh37 (hg19) VCF-style: chr6-7568104-CT-C.
Other names: c.1232del, p.Leu411fs (NM_001008844.3, NM_001319034.2, NM_001406591.1); short protein forms L411fs.
Identifiers: ClinVar variation 3505497 (VCV003505497.3).